The following is an entry in ClinVar:

NM_153704.6(TMEM67):c.244C>T (p.Pro82Ser)

Gene: TMEM67 (transmembrane protein 67; plus strand). Cytogenetic location: 8q22.1.
Variant type: single nucleotide variant.
Coding change: c.244C>T on transcript NM_153704.6 (MANE Select); coding-DNA position 244, C replaced by T.
Protein change: p.Pro82Ser; replaces proline 82 with serine.
Molecular consequence: missense variant. On other transcripts: non-coding transcript variant (1), intron variant (1).
Genome position (GRCh38, 1-based): chr8:93,755,798, C>T. VCF-style: chr8-93755798-C-T. GRCh37 (hg19) VCF-style: chr8-94768026-C-T.
Other names: c.-62+661C>T (NM_001142301.1); short protein forms P82S.
Identifiers: ClinVar variation 217715 (VCV000217715.3), dbSNP rs762543032, ClinGen allele CA277745.
Genomic context (GRCh38, chr8:93,755,798, plus strand): 5'-AGGATAAAATTGGCTTTTTTTTTTTTTTTTTTTTTTTTAGGAACTTCATGTGTATGTCTA[C>T]CAGGATTTCAGATGATCTCTAATAATGGAGGACCTGCTATTATTTGTAAAAAGTGCCCAG-3'
Protein context (NP_714915.3, residues 72-92): DARGTSCVCL[Pro82Ser]GFQMISNNGG

ClinVar aggregate classification (germline): Conflicting classifications of pathogenicity. Review status: criteria provided, conflicting classifications (1 of 4 stars). 3 submissions from 3 submitters: Pathogenic (1); Likely pathogenic (1); Uncertain significance (1). Last evaluated 2023-08-30.

Conditions:
Joubert syndrome 6 (JBTS6). Identifiers: Orphanet 475, MedGen C1853153, MONDO:0012539, OMIM 610688.

Allele frequency attached by ClinVar (database versions not stated): gnomAD exomes below 0.00001; TOPMed below 0.00001; ExAC 0.00001.
gnomAD v4.1: 6 of 1,275,700 alleles (0.00047%); highest among the groups gnomAD compares: East Asian, 0.013%; no homozygotes.

Submissions (3):

3billion
Classification: Likely pathogenic for Joubert syndrome 6. Last evaluated: 2023-08-30. Review status: criteria provided, single submitter. Criteria: ACMG Guidelines, 2015. Collection method: clinical testing. Allele origin: germline. Affected: yes.
Comment: The variant is observed at an extremely low frequency in the gnomAD v2.1.1 dataset (total allele frequency: 0.000%). Predicted Consequence/Location: Missense variant In silico tool predictions suggest damaging effect of the variant on gene or gene product [3Cnet: 0.79 (>=0.6, sensitivity 0.72 and precision 0.9)]. Same nucleotide change resulting in same amino acid change has been previously reported to be associated with TMEM67 related disorder (ClinVar ID: VCV000217715 /PMID: 19574260).The variant has been reported to be in trans with a pathogenic variant as either compound heterozygous or homozygous in at least one similarly affected unrelated individual (3billion dataset).A different missense change at the same codon (p.Pro82Arg) has been reported to be associated with TMEM67 related disorder (ClinVar ID: VCV000217714 /PMID: 19574260). Therefore, this variant is classified as Likely pathogenic according to the recommendation of ACMG/AMP guideline.

Women's Health and Genetics/Laboratory Corporation of America, LabCorp
Classification: Uncertain significance. Last evaluated: 2023-08-04. Review status: criteria provided, single submitter. Criteria: LabCorp Variant Classification Summary - May 2015. Collection method: clinical testing. Allele origin: germline.
Comment: Variant summary: TMEM67 c.244C>T (p.Pro82Ser) results in a non-conservative amino acid change in the encoded protein sequence. Three of five in-silico tools predict a benign effect of the variant on protein function. The variant allele was found at a frequency of 4.3e-06 in 230108 control chromosomes (gnomAD). c.244C>T has been reported in the literature in individuals affected with Joubert Syndrome And Related Disorders (e.g. Doherty_2010, Sakamoto_2022). These data indicate that the variant may be associated with disease. To our knowledge, no experimental evidence demonstrating an impact on protein function has been reported. The following publications have been ascertained in the context of this evaluation (PMID: 19574260, 36305856). One ClinVar submitter has assessed the variant since 2014, and classified the variant as pathogenic. Based on the evidence outlined above, the variant was classified as VUS-possibly pathogenic.

UW Hindbrain Malformation Research Program, University of Washington
Classification: Pathogenic for Joubert syndrome 6. Last evaluated: 2015-02-23. Review status: criteria provided, single submitter. Criteria: Bachmann-Gagescu et al. (J Med Genet. 2015). Collection method: research. Allele origin: unknown. Affected: yes.

Literature cited by the submitters: PubMed 19574260 (cited by 3billion and Women's Health and Genetics/Laboratory Corporation of America, LabCorp); PubMed 36305856 (cited by Women's Health and Genetics/Laboratory Corporation of America, LabCorp).